The following is an entry in ClinVar:

ClinVar aggregate classification (germline): Uncertain significance (1 of 4 stars; one submission).

Submission:

Labcorp Genetics (formerly Invitae), Labcorp
Classification: Uncertain significance. Last evaluated: 2026-01-23. Review status: criteria provided, single submitter. Criteria: Invitae Variant Classification Sherloc (09022015). Collection method: clinical testing. Allele origin: germline.
Comment: This sequence change replaces isoleucine, which is neutral and non-polar, with methionine, which is neutral and non-polar, at codon 1866 of the FLNB protein (p.Ile1866Met). This variant is not present in population databases (gnomAD no frequency). This variant has not been reported in the literature in individuals affected with FLNB-related conditions. Invitae Evidence Modeling of protein sequence and biophysical properties (such as structural, functional, and spatial information, amino acid conservation, physicochemical variation, residue mobility, and thermodynamic stability) indicates that this missense variant is not expected to disrupt FLNB protein function with a negative predictive value of 95%. In summary, the available evidence is currently insufficient to determine the role of this variant in disease. Therefore, it has been classified as a Variant of Uncertain Significance.

NM_001457.4(FLNB):c.5598C>G (p.Ile1866Met)

Gene: FLNB (filamin B; plus strand). Cytogenetic location: 3p14.3.
Variant type: single nucleotide variant.
Coding change: c.5598C>G on transcript NM_001457.4 (MANE Select); coding-DNA position 5598, C replaced by G.
Protein change: p.Ile1866Met; replaces isoleucine 1866 with methionine.
Molecular consequence: missense variant.
Genome position (GRCh38, 1-based): chr3:58,146,863, C>G. VCF-style: chr3-58146863-C-G. GRCh37 (hg19) VCF-style: chr3-58132590-C-G.
Other names: c.5691C>G, p.Ile1897Met (NM_001164317.2); c.5565C>G, p.Ile1855Met (NM_001164318.2); c.5526C>G, p.Ile1842Met (NM_001164319.2); short protein forms I1842M, I1855M, I1866M, I1897M.
Identifiers: ClinVar variation 4801724 (VCV004801724.1).